The following is an entry in ClinVar:

ClinVar aggregate classification (germline): Uncertain significance. Review status: criteria provided, multiple submitters, no conflicts (2 of 4 stars). 2 submissions from 2 submitters: Uncertain significance (2). Last evaluated 2025-03-07.

Conditions:
Inborn genetic diseases. Identifiers: MedGen C0950123, MeSH D030342.

gnomAD v4.1: 1 of 1,611,828 alleles (0.000062%); highest among the groups gnomAD compares: Non-Finnish European, 0.000085%; no homozygotes.

Submissions (2):

Ambry Genetics
Classification: Uncertain significance for Inborn genetic diseases. Last evaluated: 2025-03-07. Review status: criteria provided, single submitter. Criteria: Ambry Variant Classification Scheme 2023. Collection method: clinical testing. Allele origin: germline.

GeneDx
Classification: Uncertain significance. Last evaluated: 2024-09-22. Review status: criteria provided, single submitter. Criteria: GeneDx Variant Classification Process June 2021. Collection method: clinical testing. Allele origin: germline. Affected: yes.
Comment: Not observed at significant frequency in large population cohorts (gnomAD); In silico analysis indicates that this missense variant does not alter protein structure/function; Has not been previously published as pathogenic or benign to our knowledge

NM_001429.4(EP300):c.2243C>G (p.Pro748Arg)

Gene: EP300 (E1A binding protein p300; plus strand). Cytogenetic location: 22q13.2.
Variant type: single nucleotide variant.
Coding change: c.2243C>G on transcript NM_001429.4 (MANE Select); coding-DNA position 2243, C replaced by G.
Protein change: p.Pro748Arg; replaces proline 748 with arginine.
Molecular consequence: missense variant.
Genome position (GRCh38, 1-based): chr22:41,149,039, C>G. VCF-style: chr22-41149039-C-G. GRCh37 (hg19) VCF-style: chr22-41545043-C-G.
Other names: c.2165C>G, p.Pro722Arg (NM_001362843.2); short protein forms P722R, P748R.
Identifiers: ClinVar variation 3774224 (VCV003774224.2).